The following is an entry in ClinVar:

ClinVar aggregate classification (germline): Uncertain significance (1 of 4 stars; one submission).

Conditions:
Cardiovascular phenotype. Identifiers: MedGen CN230736.

gnomAD v4.1: 1 of 1,614,148 alleles (0.000062%); highest among the groups gnomAD compares: Non-Finnish European, 0.000085%; no homozygotes.

Submission:

Ambry Genetics
Classification: Uncertain significance for Cardiovascular phenotype. Last evaluated: 2025-07-28. Review status: criteria provided, single submitter. Criteria: Ambry Variant Classification Scheme 2023. Collection method: clinical testing. Allele origin: germline.
Comment: The p.S1993R variant (also known as c.5977A>C), located in coding exon 26 of the APOB gene, results from an A to C substitution at nucleotide position 5977. The serine at codon 1993 is replaced by arginine, an amino acid with dissimilar properties. This amino acid position is conserved. In addition, this alteration is predicted to be tolerated by in silico analysis. Based on the available evidence, the clinical significance of this variant remains unclear.

NM_000384.3(APOB):c.5977A>C (p.Ser1993Arg)

Gene: APOB (apolipoprotein B; minus strand). Cytogenetic location: 2p24.1.
Variant type: single nucleotide variant.
Coding change: c.5977A>C on transcript NM_000384.3 (MANE Select); coding-DNA position 5977, A replaced by C.
Protein change: p.Ser1993Arg; replaces serine 1993 with arginine.
Molecular consequence: missense variant.
Genome position (GRCh38, 1-based): chr2:21,010,891, T>G on the plus strand (A>C on the coding strand, the complement: APOB is on the minus strand). VCF-style: chr2-21010891-T-G. GRCh37 (hg19) VCF-style: chr2-21233763-T-G.
Other names: short protein forms S1993R.
Identifiers: ClinVar variation 4125093 (VCV004125093.1).
Genomic context (GRCh38, chr2:21,010,891, plus strand): 5'-TTCGTCCAGTAAGCTCCACGCCAATTTTATCTTTAGTGTTGTAAGCATCCAAGTCCTGGC[T>G]GTATTCATTGTTGTTAAATTGGGTCTTGAGTTTCCAGGTGCCTGTCTGCTCAGCTGGAGT-3'
Protein context (NP_000375.3, residues 1983-2003): LKTQFNNNEY[Ser1993Arg]QDLDAYNTKD